The following is an entry in ClinVar:

NM_006003.3(UQCRFS1):c.41T>A (p.Val14Asp)

Gene: UQCRFS1 (ubiquinol-cytochrome c reductase, Rieske iron-sulfur polypeptide 1; minus strand). Cytogenetic location: 19q12.
Variant type: single nucleotide variant.
Coding change: c.41T>A on transcript NM_006003.3 (MANE Select); coding-DNA position 41, T replaced by A.
Protein change: p.Val14Asp; replaces valine 14 with aspartic acid.
Molecular consequence: missense variant.
Genome position (GRCh38, 1-based): chr19:29,213,078, A>T on the plus strand (T>A on the coding strand, the complement: UQCRFS1 is on the minus strand). VCF-style: chr19-29213078-A-T. GRCh37 (hg19) VCF-style: chr19-29703985-A-T.
Other names: short protein forms V14D.
Identifiers: ClinVar variation 619501 (VCV000619501.5), dbSNP rs1568346416, ClinGen allele CA405264501.

ClinVar aggregate classification (germline): Pathogenic (0 of 4 stars; one submission).

Conditions:
Mitochondrial complex III deficiency, nuclear type 10. Also called: Mitochondrial complex 3 deficiency, nuclear type 10. Identifiers: MedGen C5394051, MONDO:0032909, OMIM 618775.

Submissions (2):

OMIM
Classification: Pathogenic for MITOCHONDRIAL COMPLEX III DEFICIENCY, NUCLEAR TYPE 10. Last evaluated: 2020-02-14. Review status: no assertion criteria provided. Collection method: literature only. Allele origin: germline.

Institute of Human Genetics Munich, TUM University Hospital
No classification provided (evidence only). Condition: Lactic acidosis; Propionic acidemia; Cardiomyopathy. Last evaluated: 2019-02-27. Review status: no classification provided. Criteria: Classification criteria August 2017. Collection method: in vitro. Allele origin: not applicable. Inheritance: Autosomal recessive inheritance. Functional consequence: Decreased function. Not counted in ClinVar's aggregate classification.
Comment: "Pathogenic" was previously submitted as the classification for the variant. However, the classification appeared to be based only on an observation of functional data so it was converted to no classification on 2025-07-30.

Literature cited by the submitters: PubMed 31883641 (cited by OMIM).